The following is an entry in ClinVar:

NM_000551.4(VHL):c.119C>G (p.Pro40Arg)

Gene: VHL (von Hippel-Lindau tumor suppressor; plus strand). Cytogenetic location: 3p25.3.
Variant type: single nucleotide variant.
Coding change: c.119C>G on transcript NM_000551.4 (MANE Select); coding-DNA position 119, C replaced by G.
Protein change: p.Pro40Arg; replaces proline 40 with arginine.
Molecular consequence: missense variant.
Genome position (GRCh38, 1-based): chr3:10,141,966, C>G. VCF-style: chr3-10141966-C-G. GRCh37 (hg19) VCF-style: chr3-10183650-C-G.
Other names: c.119C>G, p.Pro40Arg (NM_001354723.2, NM_198156.3); c.119C>G (NM_000551.3); short protein forms P40R.
Identifiers: ClinVar variation 809420 (VCV000809420.49), dbSNP rs200343185, ClinGen allele CA351747895.

ClinVar aggregate classification (germline): Uncertain significance. Review status: criteria provided, multiple submitters, no conflicts (2 of 4 stars). 3 submissions from 3 submitters: Uncertain significance (3). Last evaluated 2023-02-24.

Conditions:
Von Hippel-Lindau syndrome (VHLS). Also called: von Hippel–Lindau syndrome; VHL syndrome; Von Hippel-Lindau. Identifiers: Orphanet 892, MedGen C0019562, MONDO:0008667, OMIM 193300. Disease mechanism: loss of function.
Chuvash polycythemia. Also called: POLYCYTHEMIA, VHL-DEPENDENT. Identifiers: Orphanet 238557, MedGen C1837915, MONDO:0009892, OMIM 263400.

gnomAD v4.1: 2 of 1,554,590 alleles (0.00013%); highest among the groups gnomAD compares: Non-Finnish European, 0.00017%; no homozygotes.

Submissions (3):

GeneDx
Classification: Uncertain significance. Last evaluated: 2023-02-24. Review status: criteria provided, single submitter. Criteria: GeneDx Variant Classification Process June 2021. Collection method: clinical testing. Allele origin: germline. Affected: yes.
Comment: Observed in a patient with bilateral multifocal renal oncocytomas and cysts (Teh et al., 1998); In silico analysis supports that this missense variant does not alter protein structure/function; Not observed at significant frequency in large population cohorts (gnomAD); Also known as c.332C>G; This variant is associated with the following publications: (PMID: 9523203)

Labcorp Genetics (formerly Invitae), Labcorp
Classification: Uncertain significance for Von Hippel-Lindau syndrome; Chuvash polycythemia. Last evaluated: 2021-05-25. Review status: criteria provided, single submitter. Criteria: Invitae Variant Classification Sherloc (09022015). Collection method: clinical testing. Allele origin: germline.
Comment: In summary, the available evidence is currently insufficient to determine the role of this variant in disease. Therefore, it has been classified as a Variant of Uncertain Significance. Advanced modeling of protein sequence and biophysical properties (such as structural, functional, and spatial information, amino acid conservation, physicochemical variation, residue mobility, and thermodynamic stability) performed at Invitae indicates that this missense variant is not expected to disrupt VHL protein function. This variant has been observed in individual(s) with bilateral multifocal renal oncocytomas and cysts; however, this individual had a co-occurring translocation that may be responsible for the phenotype (PMID: 9523203). ClinVar contains an entry for this variant (Variation ID: 809420). The frequency data for this variant in the population databases is considered unreliable, as metrics indicate insufficient coverage at this position in the ExAC database. This sequence change replaces proline with arginine at codon 40 of the VHL protein (p.Pro40Arg). The proline residue is weakly conserved and there is a moderate physicochemical difference between proline and arginine.

CeGaT Center for Human Genetics Tuebingen
Classification: Uncertain significance. Last evaluated: 2019-05-01. Review status: criteria provided, single submitter. Criteria: CeGaT Center For Human Genetics Tuebingen Variant Classification Criteria Version 2. Collection method: clinical testing. Allele origin: germline. Affected: yes. Observed: 1 variant allele.

Literature cited by the submitters: PubMed 9523203 (cited by Labcorp Genetics (formerly Invitae), Labcorp).